The following is an entry in ClinVar:

ClinVar aggregate classification (germline): Uncertain significance. Review status: criteria provided, multiple submitters, no conflicts (2 of 4 stars). 2 submissions from 2 submitters: Uncertain significance (2). Last evaluated 2025-04-30.

Conditions:
Inborn genetic diseases. Identifiers: MedGen C0950123, MeSH D030342.
Congenital myasthenic syndrome 14. Also called: Myasthenic syndrome, congenital, 14, with tubular aggregates. Identifiers: Orphanet 353327, Orphanet 590, MedGen C4015597, MONDO:0014543, OMIM 616228.
Congenital disorder of glycosylation, type Ii. Also called: CDG Ii; ALG2-congenital disorder of glycosylation; ALG2-CDG. Identifiers: Orphanet 79326, MedGen C1842836, MONDO:0011933, OMIM 607906.

Allele frequency attached by ClinVar (database versions not stated): TOPMed 0.00004.
gnomAD v4.1: 28 of 1,566,546 alleles (0.0018%); highest among the groups gnomAD compares: Admixed American, 0.051%; no homozygotes.

Submissions (2):

Ambry Genetics
Classification: Uncertain significance for Inborn genetic diseases. Last evaluated: 2025-04-30. Review status: criteria provided, single submitter. Criteria: Ambry Variant Classification Scheme 2023. Collection method: clinical testing. Allele origin: germline.

Labcorp Genetics (formerly Invitae), Labcorp
Classification: Uncertain significance for Congenital disorder of glycosylation, type Ii; Congenital myasthenic syndrome 14. Last evaluated: 2023-11-27. Review status: criteria provided, single submitter. Criteria: Invitae Variant Classification Sherloc (09022015). Collection method: clinical testing. Allele origin: germline.
Comment: This sequence change replaces glycine, which is neutral and non-polar, with valine, which is neutral and non-polar, at codon 72 of the ALG2 protein (p.Gly72Val). This variant is present in population databases (rs770738799, gnomAD 0.08%). This variant has not been reported in the literature in individuals affected with ALG2-related conditions. ClinVar contains an entry for this variant (Variation ID: 941497). An algorithm developed to predict the effect of missense changes on protein structure and function (PolyPhen-2) suggests that this variant is likely to be disruptive. In summary, the available evidence is currently insufficient to determine the role of this variant in disease. Therefore, it has been classified as a Variant of Uncertain Significance.

NM_033087.4(ALG2):c.215G>T (p.Gly72Val)

Gene: ALG2 (ALG2 alpha-1,3/1,6-mannosyltransferase; minus strand). Cytogenetic location: 9q22.33.
Variant type: single nucleotide variant.
Coding change: c.215G>T on transcript NM_033087.4 (MANE Select); coding-DNA position 215, G replaced by T.
Protein change: p.Gly72Val; replaces glycine 72 with valine.
Molecular consequence: missense variant. On other transcripts: non-coding transcript variant (1).
Genome position (GRCh38, 1-based): chr9:99,221,680, C>A on the plus strand (G>T on the coding strand, the complement: ALG2 is on the minus strand). VCF-style: chr9-99221680-C-A. GRCh37 (hg19) VCF-style: chr9-101983962-C-A.
Other names: short protein forms G72V.
Identifiers: ClinVar variation 941497 (VCV000941497.6), dbSNP rs770738799, ClinGen allele CA5156443.
Genomic context (GRCh38, chr9:99,221,680, plus strand): 5'-ACGTAGGCGCAGACGGCGGCGCCGCGGCCGCCCCAGCCCAGGCCTCGCGGCAGCCAGTCC[C>A]CGGCACAGCGCACCGGTAGCTCGCGGCTCTCGGCGAAACAGTGGCCCGGGTCGTAGTGCG-3'
Protein context (NP_149078.1, residues 62-82): ESRELPVRCA[Gly72Val]DWLPRGLGWG